The following is an entry in ClinVar:

ClinVar aggregate classification (germline): Uncertain significance (1 of 4 stars; one submission).

Conditions:
Sulfite oxidase deficiency. Also called: Isolated sulfite oxidase deficiency. Identifiers: Orphanet 833, Orphanet 99731, MedGen C0268624, MONDO:0010089, OMIM 272300, HP:0003643.

Submission:

Labcorp Genetics (formerly Invitae), Labcorp
Classification: Uncertain significance for Sulfite oxidase deficiency. Last evaluated: 2022-09-12. Review status: criteria provided, single submitter. Criteria: Invitae Variant Classification Sherloc (09022015). Collection method: clinical testing. Allele origin: germline.
Comment: This sequence change replaces serine, which is neutral and polar, with proline, which is neutral and non-polar, at codon 404 of the SUOX protein (p.Ser404Pro). This variant is not present in population databases (gnomAD no frequency). This variant has not been reported in the literature in individuals affected with SUOX-related conditions. ClinVar contains an entry for this variant (Variation ID: 1365734). Advanced modeling of protein sequence and biophysical properties (such as structural, functional, and spatial information, amino acid conservation, physicochemical variation, residue mobility, and thermodynamic stability) performed at Invitae indicates that this missense variant is not expected to disrupt SUOX protein function. In summary, the available evidence is currently insufficient to determine the role of this variant in disease. Therefore, it has been classified as a Variant of Uncertain Significance.

NM_001032386.2(SUOX):c.1210T>C (p.Ser404Pro)

Gene: SUOX (sulfite oxidase; plus strand). Cytogenetic location: 12q13.2.
Variant type: single nucleotide variant.
Coding change: c.1210T>C on transcript NM_001032386.2 (MANE Select); coding-DNA position 1210, T replaced by C.
Protein change: p.Ser404Pro; replaces serine 404 with proline.
Molecular consequence: missense variant.
Genome position (GRCh38, 1-based): chr12:56,004,599, T>C. VCF-style: chr12-56004599-T-C. GRCh37 (hg19) VCF-style: chr12-56398383-T-C.
Other names: c.1210T>C, p.Ser404Pro (NM_000456.3, NM_001032387.2); short protein forms S404P.
Identifiers: ClinVar variation 1365734 (VCV001365734.9), dbSNP rs2136512864, ClinGen allele CA385292193.